The following is an entry in ClinVar:

NM_014874.4(MFN2):c.171T>C (p.Leu57=)

Gene: MFN2 (mitofusin 2; plus strand). Cytogenetic location: 1p36.22.
Variant type: single nucleotide variant.
Coding change: c.171T>C on transcript NM_014874.4 (MANE Select); coding-DNA position 171, T replaced by C.
Protein change: p.Leu57=; no amino-acid change (leucine 57 retained).
Molecular consequence: synonymous variant.
Genome position (GRCh38, 1-based): chr1:11,989,339, T>C. VCF-style: chr1-11989339-T-C. GRCh37 (hg19) VCF-style: chr1-12049396-T-C.
Other names: c.171T>C, p.Leu57= (NM_001127660.2).
Identifiers: ClinVar variation 514444 (VCV000514444.11), dbSNP rs1443899568, ClinGen allele CA416109144.

ClinVar aggregate classification (germline): Likely benign. Review status: criteria provided, multiple submitters, no conflicts (2 of 4 stars). 3 submissions from 3 submitters: Likely benign (3). Last evaluated 2022-08-25.

Conditions:
Inborn genetic diseases. Identifiers: MedGen C0950123, MeSH D030342.
Charcot-Marie-Tooth disease type 2. Also called: Charcot-Marie-Tooth type 2. Identifiers: Orphanet 64746, MedGen C0270914, MONDO:0018993.

Allele frequency attached by ClinVar (database versions not stated): gnomAD exomes below 0.00001.

Submissions (3):

Labcorp Genetics (formerly Invitae), Labcorp
Classification: Likely benign for Charcot-Marie-Tooth disease type 2. Last evaluated: 2022-08-25. Review status: criteria provided, single submitter. Criteria: Invitae Variant Classification Sherloc (09022015). Collection method: clinical testing. Allele origin: germline.

Ambry Genetics
Classification: Likely benign for Inborn genetic diseases. Last evaluated: 2019-07-11. Review status: criteria provided, single submitter. Criteria: Ambry Variant Classification Scheme 2023. Collection method: clinical testing. Allele origin: germline.

GeneDx
Classification: Likely benign. Last evaluated: 2018-01-10. Review status: criteria provided, single submitter. Criteria: GeneDx Variant Classification (06012015). Collection method: clinical testing. Allele origin: germline. Affected: yes.
Comment: This variant is considered likely benign or benign based on one or more of the following criteria: it is a conservative change, it occurs at a poorly conserved position in the protein, it is predicted to be benign by multiple in silico algorithms, and/or has population frequency not consistent with disease.